The following is an entry in ClinVar:

ClinVar aggregate classification (germline): Uncertain significance (1 of 4 stars; one submission).

Allele frequency attached by ClinVar (database versions not stated): gnomAD exomes below 0.00001.
gnomAD v4.1: 3 of 1,613,312 alleles (0.00019%); highest among the groups gnomAD compares: Non-Finnish European, 0.00025%; no homozygotes.

Submission:

Labcorp Genetics (formerly Invitae), Labcorp
Classification: Uncertain significance. Last evaluated: 2024-09-23. Review status: criteria provided, single submitter. Criteria: Invitae Variant Classification Sherloc (09022015). Collection method: clinical testing. Allele origin: germline.
Comment: This sequence change replaces glutamic acid, which is acidic and polar, with alanine, which is neutral and non-polar, at codon 31 of the ALPK1 protein (p.Glu31Ala). This variant is not present in population databases (gnomAD no frequency). This variant has not been reported in the literature in individuals affected with ALPK1-related conditions. ClinVar contains an entry for this variant (Variation ID: 1715129). An algorithm developed to predict the effect of missense changes on protein structure and function (PolyPhen-2) suggests that this variant is likely to be tolerated. In summary, the available evidence is currently insufficient to determine the role of this variant in disease. Therefore, it has been classified as a Variant of Uncertain Significance.

NM_025144.4(ALPK1):c.92A>C (p.Glu31Ala)

Gene: ALPK1 (alpha kinase 1; plus strand). Cytogenetic location: 4q25.
Variant type: single nucleotide variant.
Coding change: c.92A>C on transcript NM_025144.4 (MANE Select); coding-DNA position 92, A replaced by C.
Protein change: p.Glu31Ala; replaces glutamic acid 31 with alanine.
Molecular consequence: missense variant. On other transcripts: synonymous variant (1).
Genome position (GRCh38, 1-based): chr4:112,377,869, A>C. VCF-style: chr4-112377869-A-C. GRCh37 (hg19) VCF-style: chr4-113299025-A-C.
Other names: c.92A>C, p.Glu31Ala (NM_001102406.2); c.13A>C, p.Arg5= (NM_001253884.2); short protein forms E31A.
Identifiers: ClinVar variation 1715129 (VCV001715129.6), dbSNP rs2476390454, ClinGen allele CA357987583.